The following is an entry in ClinVar:

ClinVar aggregate classification (germline): Uncertain significance (1 of 4 stars; one submission).

Conditions:
Inborn genetic diseases. Identifiers: MedGen C0950123, MeSH D030342.

Submission:

Ambry Genetics
Classification: Uncertain significance for Inborn genetic diseases. Last evaluated: 2024-01-03. Review status: criteria provided, single submitter. Criteria: Ambry Variant Classification Scheme 2023. Collection method: clinical testing. Allele origin: germline.
Comment: The c.3292T>C (p.S1098P) alteration is located in exon 29 (coding exon 26) of the FOCAD gene. This alteration results from a T to C substitution at nucleotide position 3292, causing the serine (S) at amino acid position 1098 to be replaced by a proline (P). This variant was not reported in population-based cohorts in the Genome Aggregation Database (gnomAD). This amino acid position is well conserved in available vertebrate species. The in silico prediction for this alteration is inconclusive. Based on insufficient or conflicting evidence, the clinical significance of this alteration remains unclear.

NM_001375567.1(FOCAD):c.3292T>C (p.Ser1098Pro)

Gene: FOCAD (focadhesin; plus strand). Cytogenetic location: 9p21.3.
Variant type: single nucleotide variant.
Coding change: c.3292T>C on transcript NM_001375567.1 (MANE Select); coding-DNA position 3292, T replaced by C.
Protein change: p.Ser1098Pro; replaces serine 1098 with proline.
Molecular consequence: missense variant.
Genome position (GRCh38, 1-based): chr9:20,929,571, T>C. VCF-style: chr9-20929571-T-C. GRCh37 (hg19) VCF-style: chr9-20929570-T-C.
Other names: c.3187T>C, p.Ser1063Pro (NM_001375568.1, NM_001375570.1); c.3292T>C, p.Ser1098Pro (NM_017794.5); short protein forms S1098P, S1063P.
Identifiers: ClinVar variation 3096182 (VCV003096182.1), dbSNP rs2492156124, ClinGen allele CA373052651.
Genomic context (GRCh38, chr9:20,929,571, plus strand): 5'-AGTGCTGATGAGTCTCAAGCCGTGCAAATCCACATGGGCCTTGCTTTAGGGATGTTTCTC[T>C]CTCGCTTGTGTGAAGAGAAACTCAGGTACAGTTTATTAAAATATTCCTGCTTTTCTTCTT-3'
Protein context (NP_001362496.1, residues 1088-1108): HMGLALGMFL[Ser1098Pro]RLCEEKLSDI